The following is an entry in ClinVar:

NM_212482.4(FN1):c.1205C>T (p.Thr402Ile)

Genes: FN1 (fibronectin 1; minus strand), LOC126806498 (CDK7 strongly-dependent group 2 enhancer GRCh37_chr2:216288045-216289244; plus strand). Cytogenetic location: 2q35.
Variant type: single nucleotide variant.
Coding change: c.1205C>T on transcript NM_212482.4 (MANE Select); coding-DNA position 1205, C replaced by T.
Protein change: p.Thr402Ile; replaces threonine 402 with isoleucine.
Molecular consequence: missense variant.
Genome position (GRCh38, 1-based): chr2:215,424,157, G>A on the plus strand (C>T on the coding strand, the complement: FN1 is on the minus strand). VCF-style: chr2-215424157-G-A. GRCh37 (hg19) VCF-style: chr2-216288880-G-A.
Other names: c.1205C>T, p.Thr402Ile (NM_001306129.2, NM_001306130.2, NM_001306131.2 and 14 more transcripts); short protein forms T402I.
Identifiers: ClinVar variation 3687153 (VCV003687153.2).

ClinVar aggregate classification (germline): Uncertain significance (1 of 4 stars; one submission).

Submission:

Labcorp Genetics (formerly Invitae), Labcorp
Classification: Uncertain significance. Last evaluated: 2024-06-02. Review status: criteria provided, single submitter. Criteria: Invitae Variant Classification Sherloc (09022015). Collection method: clinical testing. Allele origin: germline.
Comment: This sequence change replaces threonine, which is neutral and polar, with isoleucine, which is neutral and non-polar, at codon 402 of the FN1 protein (p.Thr402Ile). This variant is not present in population databases (gnomAD no frequency). This variant has not been reported in the literature in individuals affected with FN1-related conditions. Advanced modeling of protein sequence and biophysical properties (such as structural, functional, and spatial information, amino acid conservation, physicochemical variation, residue mobility, and thermodynamic stability) has been performed at Invitae for this missense variant, however the output from this modeling did not meet the statistical confidence thresholds required to predict the impact of this variant on FN1 protein function. In summary, the available evidence is currently insufficient to determine the role of this variant in disease. Therefore, it has been classified as a Variant of Uncertain Significance.